The following is an entry in ClinVar:

NM_001365276.2(TNXB):c.147G>A (p.Gly49=)

Gene: TNXB (tenascin XB; minus strand). Cytogenetic location: 6p21.33.
Variant type: single nucleotide variant.
Coding change: c.147G>A on transcript NM_001365276.2 (MANE Select); coding-DNA position 147, G replaced by A.
Protein change: p.Gly49=; no amino-acid change (glycine 49 retained).
Molecular consequence: synonymous variant.
Genome position (GRCh38, 1-based): chr6:32,098,052, C>T on the plus strand (G>A on the coding strand, the complement: TNXB is on the minus strand). VCF-style: chr6-32098052-C-T. GRCh37 (hg19) VCF-style: chr6-32065829-C-T.
Other names: p.Gly49=; c.147G>A, p.Gly49= (NM_019105.8).
Identifiers: ClinVar variation 809910 (VCV000809910.50), dbSNP rs370126465, ClinGen allele CA3735899.

ClinVar aggregate classification (germline): Conflicting classifications of pathogenicity. Review status: criteria provided, conflicting classifications (1 of 4 stars). 6 submissions from 6 submitters: Uncertain significance (1); Likely benign (5). Last evaluated 2025-07-22.

Conditions:
Cardiovascular phenotype. Identifiers: MedGen CN230736.

Allele frequency attached by ClinVar (database versions not stated): ExAC 0.00005; gnomAD 0.00006; gnomAD exomes 0.00006 and 0.00019; TOPMed 0.00007; ESP Exome Variant Server 0.00008.
gnomAD v4.1: 282 of 1,606,900 alleles (0.018%); highest among the groups gnomAD compares: Non-Finnish European, 0.023%; no homozygotes.

Submissions (6):

Mayo Clinic Laboratories, Mayo Clinic
Classification: Likely benign. Last evaluated: 2025-07-22. Review status: criteria provided, single submitter. Criteria: ACMG Guidelines, 2015. Collection method: clinical testing. Allele origin: germline. Observed: 2 variant alleles.
Comment: BP4, BP7

Women's Health and Genetics/Laboratory Corporation of America, LabCorp
Classification: Likely benign. Last evaluated: 2024-11-29. Review status: criteria provided, single submitter. Criteria: LabCorp Variant Classification Summary - May 2015. Collection method: clinical testing. Allele origin: germline.

Blueprint Genetics
Classification: Likely benign. Last evaluated: 2023-01-24. Review status: criteria provided, single submitter. Criteria: ACMG Guidelines, 2015. Collection method: clinical testing. Allele origin: germline.

Ambry Genetics
Classification: Likely benign for Cardiovascular phenotype. Last evaluated: 2022-07-19. Review status: criteria provided, single submitter. Criteria: Ambry Variant Classification Scheme 2023. Collection method: clinical testing. Allele origin: germline.

GeneDx
Classification: Likely benign. Last evaluated: 2020-03-04. Review status: criteria provided, single submitter. Criteria: GeneDx Variant Classification Process June 2021. Collection method: clinical testing. Allele origin: germline. Affected: yes.

CeGaT Center for Human Genetics Tuebingen
Classification: Uncertain significance. Last evaluated: 2016-06-01. Review status: criteria provided, single submitter. Criteria: CeGaT Center For Human Genetics Tuebingen Variant Classification Criteria Version 2. Collection method: clinical testing. Allele origin: germline. Affected: yes. Observed: 1 variant allele.